The following is an entry in ClinVar:

ClinVar aggregate classification (germline): Uncertain significance (1 of 4 stars; one submission).

Submission:

GeneDx
Classification: Uncertain significance. Last evaluated: 2020-10-23. Review status: criteria provided, single submitter. Criteria: GeneDx Variant Classification Process June 2021. Collection method: clinical testing. Allele origin: germline. Affected: yes.
Comment: Not observed in large population cohorts (Lek et al., 2016); Nonsense variant predicted to result in protein truncation as the last 2 amino acids are lost, although loss-of-function variants have not been reported downstream of this position in the protein; Has not been previously published as pathogenic or benign to our knowledge

NM_001111067.4(ACVR1):c.1521dup (p.Asp508Ter)

Gene: ACVR1 (activin A receptor type 1; minus strand). Cytogenetic location: 2q24.1.
Variant type: Duplication.
Coding change: c.1521dup on transcript NM_001111067.4 (MANE Select); coding-DNA position 1521, one base duplicated (T; older notation c.1521dupT).
Protein change: p.Asp508Ter; replaces aspartic acid 508 with a stop codon.
Molecular consequence: nonsense.
Genome position (GRCh38, 1-based): chr2:157,737,540, A duplicated on the plus strand (T on the coding strand, the reverse complement: ACVR1 is on the minus strand). VCF-style (leftmost placement, unchanged base first): chr2-157737539-C-CA. GRCh37 (hg19) VCF-style: chr2-158594051-C-CA.
Other names: c.1521dupT (NM_001105.4); c.1521dup, p.Asp508Ter (NM_001105.5, NM_001347663.1, NM_001347664.1 and 3 more transcripts); short protein forms D508*.
Identifiers: ClinVar variation 452958 (VCV000452958.3), dbSNP rs1553495017, ClinGen allele CA658655677.